The following is an entry in ClinVar:

ClinVar aggregate classification (germline): Uncertain significance (1 of 4 stars; one submission).

Conditions:
Hereditary cancer-predisposing syndrome. Also called: Tumor predisposition; Hereditary Cancer Syndrome; Hereditary neoplastic syndrome; Neoplastic Syndromes, Hereditary. Identifiers: Orphanet 140162, MedGen C0027672, MeSH D009386, MONDO:0015356.

gnomAD v4.1: 4 of 1,613,542 alleles (0.00025%); highest among the groups gnomAD compares: Non-Finnish European, 0.00034%; no homozygotes.

Submission:

Ambry Genetics
Classification: Uncertain significance for Hereditary cancer-predisposing syndrome. Last evaluated: 2024-04-01. Review status: criteria provided, single submitter. Criteria: Ambry Variant Classification Scheme 2023. Collection method: clinical testing. Allele origin: germline.
Comment: The p.A135T variant (also known as c.403G>A) is located in coding exon 5 of the MRE11A gene. The alanine at codon 135 is replaced by threonine, an amino acid with similar properties. This change occurs in the first base pair of coding exon 5. This amino acid position is conserved. In addition, the in silico prediction for this alteration is inconclusive. Based on the available evidence, the clinical significance of this alteration remains unclear.

NM_005591.4(MRE11):c.403G>A (p.Ala135Thr)

Gene: MRE11 (MRE11 double strand break repair nuclease; minus strand). Cytogenetic location: 11q21.
Variant type: single nucleotide variant.
Coding change: c.403G>A on transcript NM_005591.4 (MANE Select); coding-DNA position 403, G replaced by A.
Protein change: p.Ala135Thr; replaces alanine 135 with threonine.
Molecular consequence: missense variant.
Genome position (GRCh38, 1-based): chr11:94,478,876, C>T on the plus strand (G>A on the coding strand, the complement: MRE11 is on the minus strand). VCF-style: chr11-94478876-C-T. GRCh37 (hg19) VCF-style: chr11-94212042-C-T.
Other names: c.403G>A, p.Ala135Thr (NM_001330347.2, NM_005590.4); short protein forms A135T.
Identifiers: ClinVar variation 3295808 (VCV003295808.1).